The following is an entry in ClinVar:

NM_000388.4(CASR):c.1942C>G (p.Arg648Gly)

Gene: CASR (calcium sensing receptor; plus strand). Cytogenetic location: 3q21.1.
Variant type: single nucleotide variant.
Coding change: c.1942C>G on transcript NM_000388.4 (MANE Select); coding-DNA position 1942, C replaced by G.
Protein change: p.Arg648Gly; replaces arginine 648 with glycine.
Molecular consequence: missense variant.
Genome position (GRCh38, 1-based): chr3:122,283,896, C>G. VCF-style: chr3-122283896-C-G. GRCh37 (hg19) VCF-style: chr3-122002743-C-G.
Other names: c.1972C>G, p.Arg658Gly (NM_001178065.2); short protein forms R658G, R648G.
Identifiers: ClinVar variation 2941776 (VCV002941776.3), dbSNP rs104893705, ClinGen allele CA2569762.

ClinVar aggregate classification (germline): Uncertain significance (1 of 4 stars; one submission).

Conditions:
Familial hypocalciuric hypercalcemia (FHH). Also called: Familial benign hypercalcemia. Identifiers: Orphanet 405, MedGen C1809471, MONDO:0018458.
Autosomal dominant hypocalcemia 1 (HYPOC1). Also called: HYPOCALCEMIA, FAMILIAL. Identifiers: MedGen C3715128, MONDO:0011013, OMIM 601198.

gnomAD v4.1: 1 of 1,613,762 alleles (0.000062%); no homozygotes.

Submission:

Labcorp Genetics (formerly Invitae), Labcorp
Classification: Uncertain significance for Familial hypocalciuric hypercalcemia; Autosomal dominant hypocalcemia 1. Last evaluated: 2023-04-06. Review status: criteria provided, single submitter. Criteria: Invitae Variant Classification Sherloc (09022015). Collection method: clinical testing. Allele origin: germline.
Comment: This sequence change replaces arginine, which is basic and polar, with glycine, which is neutral and non-polar, at codon 648 of the CASR protein (p.Arg648Gly). This variant is present in population databases (rs104893705, gnomAD 0.01%). This variant has not been reported in the literature in individuals affected with CASR-related conditions. An algorithm developed to predict the effect of missense changes on protein structure and function (PolyPhen-2) suggests that this variant is likely to be disruptive. In summary, the available evidence is currently insufficient to determine the role of this variant in disease. Therefore, it has been classified as a Variant of Uncertain Significance.